The following is an entry in ClinVar:

ClinVar aggregate classification (germline): Uncertain significance (1 of 4 stars; one submission).

Conditions:
Hereditary pancreatitis (PCTT). Also called: Hereditary chronic pancreatitis; PRSS1-Related Hereditary Pancreatitis. Identifiers: Orphanet 676, MedGen C0238339, MONDO:0008185, OMIM 167800.

Submission:

Ambry Genetics
Classification: Uncertain significance for Hereditary pancreatitis. Last evaluated: 2024-01-30. Review status: criteria provided, single submitter. Criteria: Ambry Variant Classification Scheme 2023. Collection method: clinical testing. Allele origin: germline.
Comment: The p.S144I variant (also known as c.431G>T), located in coding exon 4 of the CPA1 gene, results from a G to T substitution at nucleotide position 431. The serine at codon 144 is replaced by isoleucine, an amino acid with dissimilar properties. This amino acid position is conserved. In addition, this alteration is predicted to be tolerated by in silico analysis. Based on the available evidence, the clinical significance of this alteration remains unclear.

NM_001868.4(CPA1):c.431G>T (p.Ser144Ile)

Gene: CPA1 (carboxypeptidase A1; plus strand). Cytogenetic location: 7q32.2.
Variant type: single nucleotide variant.
Coding change: c.431G>T on transcript NM_001868.4 (MANE Select); coding-DNA position 431, G replaced by T.
Protein change: p.Ser144Ile; replaces serine 144 with isoleucine.
Molecular consequence: missense variant.
Genome position (GRCh38, 1-based): chr7:130,382,157, G>T. VCF-style: chr7-130382157-G-T. GRCh37 (hg19) VCF-style: chr7-130021998-G-T.
Other names: short protein forms S144I.
Identifiers: ClinVar variation 3221822 (VCV003221822.1), dbSNP rs2536006336, ClinGen allele CA369280998.
Genomic context (GRCh38, chr7:130,382,157, plus strand): 5'-TCACACCTCAGATCTATGACTTCCTGGACCTGCTGGTGGCGGAGAACCCGCACCTTGTCA[G>T]CAAGATCCAGATTGGCAACACCTATGAAGGGCGTCCCATTTACGTGCTGAAGGTAACATC-3'
Protein context (NP_001859.1, residues 134-154): LLVAENPHLV[Ser144Ile]KIQIGNTYEG